The following is an entry in ClinVar:

ClinVar aggregate classification (germline): Pathogenic. Review status: criteria provided, multiple submitters, no conflicts (2 of 4 stars). 3 submissions from 3 submitters: Pathogenic (3). Last evaluated 2026-09-02.

Conditions:
Hereditary nonpolyposis colorectal neoplasms. Identifiers: MedGen C0009405, MeSH D003123.
Hereditary cancer-predisposing syndrome. Also called: Neoplastic Syndromes, Hereditary; Tumor predisposition; Hereditary Cancer Syndrome; Hereditary neoplastic syndrome. Identifiers: Orphanet 140162, MedGen C0027672, MeSH D009386, MONDO:0015356.
Lynch syndrome 5 (LYNCH5). Also called: Colorectal cancer, hereditary nonpolyposis, type 5; Hereditary non-polyposis colorectal cancer, type 5. Identifiers: Orphanet 144, MedGen C1833477, MONDO:0013710, OMIM 614350. Disease mechanism: loss of function.

Submissions (3):

Ambry Genetics
Classification: Pathogenic for Hereditary cancer-predisposing syndrome. Last evaluated: 2026-09-02. Review status: criteria provided, single submitter. Criteria: Ambry Variant Classification Scheme 2023. Collection method: clinical testing. Allele origin: germline.
Comment: The c.2413dupA pathogenic mutation, located in coding exon 4 of the MSH6 gene, results from a duplication of A at nucleotide position 2413, causing a translational frameshift with a predicted alternate stop codon (p.I805Nfs*15). This variant is considered to be rare based on population cohorts in the Genome Aggregation Database (gnomAD). This alteration is expected to result in loss of function by premature protein truncation or nonsense-mediated mRNA decay. As such, this alteration is interpreted as a disease-causing mutation.

Myriad Genetics, Inc.
Classification: Pathogenic for Lynch syndrome 5. Last evaluated: 2024-01-30. Review status: criteria provided, single submitter. Criteria: Myriad Autosomal Dominant, Autosomal Recessive and X-Linked Classification Criteria (2023). Collection method: clinical testing. Allele origin: unknown.
Comment: This variant is considered pathogenic. This variant creates a frameshift predicted to result in premature protein truncation.

Labcorp Genetics (formerly Invitae), Labcorp
Classification: Pathogenic for Hereditary nonpolyposis colorectal neoplasms. Last evaluated: 2022-10-25. Review status: criteria provided, single submitter. Criteria: Invitae Variant Classification Sherloc (09022015). Collection method: clinical testing. Allele origin: germline.
Comment: For these reasons, this variant has been classified as Pathogenic. ClinVar contains an entry for this variant (Variation ID: 1072512). This variant has not been reported in the literature in individuals affected with MSH6-related conditions. This variant is not present in population databases (gnomAD no frequency). This sequence change creates a premature translational stop signal (p.Ile805Asnfs*15) in the MSH6 gene. It is expected to result in an absent or disrupted protein product. Loss-of-function variants in MSH6 are known to be pathogenic (PMID: 18269114, 24362816).

Literature cited by the submitters: PubMed 18269114 (cited by Labcorp Genetics (formerly Invitae), Labcorp); PubMed 24362816 (cited by Labcorp Genetics (formerly Invitae), Labcorp).

NM_000179.3(MSH6):c.2413dup (p.Ile805fs)

Gene: MSH6 (mutS homolog 6; plus strand). Cytogenetic location: 2p16.3.
Variant type: Duplication.
Coding change: c.2413dup on transcript NM_000179.3 (MANE Select); coding-DNA position 2413, one base duplicated (A; older notation c.2413dupA).
Protein change: p.Ile805fs; shifts the reading frame from isoleucine 805.
Molecular consequence: frameshift variant.
Genome position (GRCh38, 1-based): chr2:47,800,396, A duplicated; the last of 4 consecutive A bases (chr2:47,800,393-47,800,396); duplicating any one gives the same sequence. VCF-style (leftmost placement, unchanged base first): chr2-47800392-C-CA. GRCh37 (hg19) VCF-style: chr2-48027531-C-CA.
Other names: c.2413dupA (NM_000179.2); c.2023dup, p.Ile675fs (NM_001281492.2); c.1507dup, p.Ile503fs (NM_001281493.2, NM_001281494.2); short protein forms I503fs, I675fs, I805fs.
Identifiers: ClinVar variation 1072512 (VCV001072512.9), dbSNP rs2104405276, ClinGen allele CA2499216117.